The following is an entry in ClinVar:

ClinVar aggregate classification (germline): Conflicting classifications of pathogenicity. Review status: criteria provided, conflicting classifications (1 of 4 stars). 3 submissions from 3 submitters: Uncertain significance (2); Likely benign (1). Last evaluated 2025-02-27.

Allele frequency attached by ClinVar (database versions not stated): gnomAD exomes 0.00001 and 0.00004; ExAC 0.00005; gnomAD 0.00013 and 0.00016; TOPMed 0.00015.
gnomAD v4.1: 35 of 1,612,724 alleles (0.0022%); highest among the groups gnomAD compares: African/African-American, 0.045%; no homozygotes.

Submissions (3):

Labcorp Genetics (formerly Invitae), Labcorp
Classification: Uncertain significance. Last evaluated: 2025-02-27. Review status: criteria provided, single submitter. Criteria: Invitae Variant Classification Sherloc (09022015). Collection method: clinical testing. Allele origin: germline.
Comment: This sequence change replaces proline, which is neutral and non-polar, with serine, which is neutral and polar, at codon 356 of the A2ML1 protein (p.Pro356Ser). This variant is present in population databases (rs753186530, gnomAD 0.05%). This variant has not been reported in the literature in individuals affected with A2ML1-related conditions. ClinVar contains an entry for this variant (Variation ID: 1055931). An algorithm developed to predict the effect of missense changes on protein structure and function (PolyPhen-2) suggests that this variant is likely to be disruptive. In summary, the available evidence is currently insufficient to determine the role of this variant in disease. Therefore, it has been classified as a Variant of Uncertain Significance.

Ambry Genetics
Classification: Uncertain significance. Last evaluated: 2024-09-25. Review status: criteria provided, single submitter. Criteria: Ambry Variant Classification Scheme 2023. Collection method: clinical testing. Allele origin: germline.
Comment: The p.P356S variant (also known as c.1066C>T), located in coding exon 10 of the A2ML1 gene, results from a C to T substitution at nucleotide position 1066. The proline at codon 356 is replaced by serine, an amino acid with similar properties. This amino acid position is conserved. In addition, this alteration is predicted to be tolerated by in silico analysis. Since supporting evidence is limited at this time, the clinical significance of this alteration remains unclear.

GeneDx
Classification: Likely benign. Last evaluated: 2018-08-17. Review status: criteria provided, single submitter. Criteria: GeneDx Variant Classification Process June 2021. Collection method: clinical testing. Allele origin: germline. Affected: yes.

NM_144670.6(A2ML1):c.1066C>T (p.Pro356Ser)

Gene: A2ML1 (alpha-2-macroglobulin like 1; plus strand). Cytogenetic location: 12p13.31.
Variant type: single nucleotide variant.
Coding change: c.1066C>T on transcript NM_144670.6 (MANE Select); coding-DNA position 1066, C replaced by T.
Protein change: p.Pro356Ser; replaces proline 356 with serine.
Molecular consequence: missense variant.
Genome position (GRCh38, 1-based): chr12:8,839,208, C>T. VCF-style: chr12-8839208-C-T. GRCh37 (hg19) VCF-style: chr12-8991804-C-T.
Other names: short protein forms P356S.
Identifiers: ClinVar variation 1055931 (VCV001055931.14), dbSNP rs753186530, ClinGen allele CA6435522.